The following is an entry in ClinVar:

NM_000051.4(ATM):c.8625_8627delinsAAAA (p.Asn2875fs)

Genes: ATM (ATM serine/threonine kinase; plus strand), C11orf65 (chromosome 11 open reading frame 65; minus strand). Cytogenetic location: 11q22.3.
Variant type: Indel.
Coding change: c.8625_8627delinsAAAA on transcript NM_000051.4 (MANE Select); coding-DNA positions 8625 to 8627, TAT replaced by AAAA.
Protein change: p.Asn2875fs; shifts the reading frame from asparagine 2875.
Molecular consequence: frameshift variant. On other transcripts: intron variant (2).
Genome position (GRCh38, 1-based): chr11:108,347,319-108,347,321, TAT replaced by AAAA. VCF-style: chr11-108347319-TAT-AAAA. GRCh37 (hg19) VCF-style: chr11-108218046-TAT-AAAA.
Other names: c.8625_8627delinsAAAA, p.Asn2875fs (NM_001351834.2); c.641-38250_641-38248delinsTTTT (NM_001330368.2); c.695-12029_695-12027delinsTTTT (NM_001351110.2); short protein forms N2875fs.
Identifiers: ClinVar variation 567463 (VCV000567463.8), dbSNP rs1565567205, ClinGen allele CA891842784.
Genomic context (GRCh38, chr11:108,347,319, plus strand): 5'-TTTGTTTCTTTTTTCTCCAGTTGGTTACATACTTGGACTTGGTGATAGACATGTACAGAA[TAT>AAAA]CTTGATAAATGAGCAGTCAGCAGAACTTGTACATATAGATCTAGGTAAGTAATAAAATCT-3'

ClinVar aggregate classification (germline): Pathogenic (1 of 4 stars; one submission).

Conditions:
Ataxia-telangiectasia syndrome (AT). Also called: Cerebello-oculocutaneous telangiectasia; Immunodeficiency with ataxia telangiectasia; Ataxia-telangiectasia, complementation group E; Ataxia-telangiectasia, complementation group D; AT, COMPLEMENTATION GROUP C; ATAXIA-TELANGIECTASIA, COMPLEMENTATION GROUP A. Identifiers: Orphanet 100, MedGen C0004135, MONDO:0008840, OMIM 208900.

Submission:

Labcorp Genetics (formerly Invitae), Labcorp
Classification: Pathogenic for Ataxia-telangiectasia syndrome. Last evaluated: 2018-04-25. Review status: criteria provided, single submitter. Criteria: Invitae Variant Classification Sherloc (09022015). Collection method: clinical testing. Allele origin: germline.
Comment: For these reasons, this variant has been classified as Pathogenic. Loss-of-function variants in ATM are known to be pathogenic (PMID: 23807571, 25614872). This variant has not been reported in the literature in individuals with ATM-related disease. This variant is not present in population databases (ExAC no frequency). This sequence change creates a premature translational stop signal (p.Asn2875Lysfs*6) in the ATM gene. It is expected to result in an absent or disrupted protein product.

Literature cited by the submitters: PubMed 23807571; PubMed 25614872.